The following is an entry in ClinVar:

NM_001458.5(FLNC):c.1994_1995delinsAA (p.Cys665Ter)

Gene: FLNC (filamin C; plus strand). Cytogenetic location: 7q32.1.
Variant type: Indel.
Coding change: c.1994_1995delinsAA on transcript NM_001458.5 (MANE Select); coding-DNA positions 1994 to 1995, GC replaced by AA.
Protein change: p.Cys665Ter; replaces cysteine 665 with a stop codon.
Molecular consequence: nonsense.
Genome position (GRCh38, 1-based): chr7:128,841,350-128,841,351, GC replaced by AA. VCF-style: chr7-128841350-GC-AA. GRCh37 (hg19) VCF-style: chr7-128481404-GC-AA.
Other names: c.1994_1995delinsAA, p.Cys665Ter (NM_001127487.2); short protein forms C665*.
Identifiers: ClinVar variation 2565513 (VCV002565513.2), dbSNP rs2536628603, ClinGen allele CA2580614269.
Genomic context (GRCh38, chr7:128,841,350, plus strand): 5'-ACGATGAGGACATCCGAGACTCACCCTTCATTGCCCACATCCTGCCCGCCCCACCTGACT[GC>AA]TTCCCAGATAAGGTGTGGTCCCAGCTCACACACACCTGCCCCGGGGGTGGGGCAAGCTGG-3'

ClinVar aggregate classification (germline): Pathogenic (1 of 4 stars; one submission).

Conditions:
Cardiovascular phenotype. Identifiers: MedGen CN230736.

Submission:

Ambry Genetics
Classification: Pathogenic for Cardiovascular phenotype. Last evaluated: 2023-04-24. Review status: criteria provided, single submitter. Criteria: Ambry Variant Classification Scheme 2023. Collection method: clinical testing. Allele origin: germline.
Comment: The c.1994_1995delGCinsAA pathogenic mutation (also known as p.C665*), located in coding exon 12 of the FLNC gene, results from a deletion of GC and insertion of AA at nucleotide positions 1994 to 1995. This changes the amino acid from a cysteine to a stop codon within coding exon 12. This variant is considered to be rare based on population cohorts in the Genome Aggregation Database (gnomAD). This alteration is expected to result in loss of function by premature protein truncation or nonsense-mediated mRNA decay. Based on the supporting evidence, this variant is expected to be causative of FLNC-related dilated cardiomyopathy; however, its clinical significance for FLNC-related hypertrophy/restrictive cardiomyopathy and/or skeletal myopathy is unclear.